The following is an entry in ClinVar:

NM_001395656.1(ROBO2):c.1556A>T (p.Asn519Ile)

Gene: ROBO2 (roundabout guidance receptor 2; plus strand). Cytogenetic location: 3p12.3.
Variant type: single nucleotide variant.
Coding change: c.1556A>T on transcript NM_001395656.1 (MANE Select); coding-DNA position 1556, A replaced by T.
Protein change: p.Asn519Ile; replaces asparagine 519 with isoleucine.
Molecular consequence: missense variant. On other transcripts: 5 prime UTR variant (1).
Genome position (GRCh38, 1-based): chr3:77,563,191, A>T. VCF-style: chr3-77563191-A-T. GRCh37 (hg19) VCF-style: chr3-77612342-A-T.
Other names: c.1592A>T, p.Asn531Ile (NM_001128929.3); c.1556A>T, p.Asn519Ile (NM_001290039.2, NM_001290040.2, NM_001378202.1); c.-375A>T (NM_001290065.2); c.1604A>T, p.Asn535Ile (NM_001378190.1, NM_001378191.1, NM_001378195.1 and 4 more transcripts); c.1625A>T, p.Asn542Ile (NM_001378192.1, NM_001378194.1, NM_001378198.1 and 2 more transcripts); c.1544A>T, p.Asn515Ile (NM_001378193.1, NM_001378197.1, NM_002942.5); c.1613A>T, p.Asn538Ile (NM_001394212.1, NM_001394214.1, NM_001395657.1); short protein forms N515I, N531I, N519I, N535I, N538I, N542I.
Identifiers: ClinVar variation 346687 (VCV000346687.16), dbSNP rs80051448, ClinGen allele CA2497095.
Genomic context (GRCh38, chr3:77,563,191, plus strand): 5'-ATCAGGAATGAAGTTTTTTCTGTCTGTCCTCTATAGAGTCTGGAGCAACAATCAGTAAAA[A>T]CTATGATTTAAGTGACCTGCCAGGGCCACCATCCAAACCGCAGGTCACTGATGTTACTAA-3'
Protein context (NP_001382585.1, residues 509-529): VTESGATISK[Asn519Ile]YDLSDLPGPP

ClinVar aggregate classification (germline): Benign/Likely benign. Review status: criteria provided, multiple submitters, no conflicts (2 of 4 stars). 6 submissions from 6 submitters: Benign (2); Likely benign (4). Last evaluated 2026-02-01.

Conditions:
Vesicoureteral reflux 2 (VUR2). Identifiers: Orphanet 289365, MedGen C1970483, MONDO:0012573, OMIM 610878.
Congenital anomaly of kidney and urinary tract. Also called: Congenital anomalies of kidney and urinary tract; Congenital anomalies of the kidney and urinary tract. Identifiers: Orphanet 93545, MedGen C1968949, MeSH C566906, MONDO:0019719.

Allele frequency attached by ClinVar (database versions not stated): gnomAD exomes 0.00141; ExAC 0.00163; ESP Exome Variant Server 0.00535; 1000 Genomes Project 0.00599; 1000 Genomes Project 30x 0.00609; gnomAD 0.00616 and 0.00662; TOPMed 0.00679.
gnomAD v4.1: 1,880 of 1,613,400 alleles (0.12%); highest among the groups gnomAD compares: African/African-American, 2.2%; 19 homozygotes.

Submissions (6):

Labcorp Genetics (formerly Invitae), Labcorp
Classification: Benign. Last evaluated: 2026-02-01. Review status: criteria provided, single submitter. Criteria: Invitae Variant Classification Sherloc (09022015). Collection method: clinical testing. Allele origin: germline.

Genomic Medicine Center of Excellence, King Faisal Specialist Hospital and Research Centre
Classification: Likely benign. Last evaluated: 2025-08-18. Review status: criteria provided, single submitter. Criteria: ACMG Guidelines, 2015. Collection method: clinical testing. Allele origin: germline.

Institute of Human Genetics, University of Leipzig Medical Center
Classification: Likely benign for Congenital anomaly of kidney and urinary tract. Last evaluated: 2021-01-09. Review status: criteria provided, single submitter. Criteria: ACMG Guidelines, 2015. Collection method: curation. Allele origin: germline. Inheritance: Autosomal dominant inheritance. Affected: yes.
Comment: This ROBO2 variant was reported as Likely pathogenicâ€‹ in PMID: 18235093 with original nomenclature reported as 1544A->T, Asn515Ile. Variant was re-classified as Likely Benign based on the criteria BS1_Moderate, BS2_Moderate, BP4_Supporting.

Mendelics
Classification: Benign for Vesicoureteral reflux 2. Last evaluated: 2019-05-28. Review status: criteria provided, single submitter. Criteria: Mendelics Assertion Criteria 2017. Collection method: clinical testing. Allele origin: unknown.

Illumina Laboratory Services, Illumina
Classification: Likely benign for Vesicoureteral reflux 2. Last evaluated: 2017-04-28. Review status: criteria provided, single submitter. Criteria: ICSL Variant Classification Criteria 13 December 2019. Collection method: clinical testing. Allele origin: germline.
Comment: This variant was observed as part of a predisposition screen in an ostensibly healthy population. A literature search was performed for the gene, cDNA change, and amino acid change (where applicable). Publications were found based on this search. The evidence from the literature, in combination with allele frequency data from public databases where available, was sufficient to determine this variant is unlikely to cause disease. Therefore, this variant is classified as likely benign.

Breakthrough Genomics
Classification: Likely benign. Review status: criteria provided, single submitter. Criteria: ACMG Guidelines, 2015. Collection method: not provided. Allele origin: germline. Inheritance: Autosomal dominant inheritance. Affected: yes.

Literature cited by the submitters: PubMed 18235093 (cited by Institute of Human Genetics, University of Leipzig Medical Center and Illumina Laboratory Services, Illumina); PubMed 23536131 (cited by Illumina Laboratory Services, Illumina); PubMed 22995991 (cited by Illumina Laboratory Services, Illumina).